The following is an entry in ClinVar:

ClinVar aggregate classification (germline): Pathogenic (1 of 4 stars; one submission).

Submission:

ARUP Laboratories, Molecular Genetics and Genomics, ARUP Laboratories
Classification: Pathogenic. Last evaluated: 2023-12-15. Review status: criteria provided, single submitter. Criteria: ARUP Molecular Germline Variant Investigation Process 2024. Collection method: clinical testing. Allele origin: germline.
Comment: The SPTA1 c.5804G>A; p.Trp1935Ter variant is reported in the literature in one individual with hereditary pyropoikilocytosis and one individual with transfusion-dependent anemia, both of which also carried second SPTA1 variants (Gallagher 2019). This variant is absent from the Genome Aggregation Database (v2.1.1), indicating it is not a common polymorphism. It induces an early termination codon and is predicted to result in a truncated protein or mRNA subject to nonsense-mediated decay. Based on available information, this variant is considered to be pathogenic. References: Gallagher PG et al. Aberrant splicing contributes to severe alpha-spectrin-linked congenital hemolytic anemia. J Clin Invest. 2019 Apr 30. PMID: 31038472

NM_003126.4(SPTA1):c.5804G>A (p.Trp1935Ter)

Gene: SPTA1 (spectrin alpha, erythrocytic 1; minus strand). Cytogenetic location: 1q23.1.
Variant type: single nucleotide variant.
Coding change: c.5804G>A on transcript NM_003126.4 (MANE Select); coding-DNA position 5804, G replaced by A.
Protein change: p.Trp1935Ter; replaces tryptophan 1935 with a stop codon.
Molecular consequence: nonsense.
Genome position (GRCh38, 1-based): chr1:158,626,868, C>T on the plus strand (G>A on the coding strand, the complement: SPTA1 is on the minus strand). VCF-style: chr1-158626868-C-T. GRCh37 (hg19) VCF-style: chr1-158596658-C-T.
Other names: short protein forms W1935*.
Identifiers: ClinVar variation 3767095 (VCV003767095.1).